The following is an entry in ClinVar:

ClinVar aggregate classification (germline): Uncertain significance. Review status: criteria provided, multiple submitters, no conflicts (2 of 4 stars). 3 submissions from 3 submitters: Uncertain significance (3). Last evaluated 2024-10-01.

Conditions:
Ichthyosis linearis circumflexa. Identifiers: MedGen C0265962, MONDO:0043106, HP:0025810.
Inborn genetic diseases. Identifiers: MedGen C0950123, MeSH D030342.

Allele frequency attached by ClinVar (database versions not stated): ExAC 0.00006; gnomAD 0.00002 and below 0.00001; gnomAD exomes 0.00004; TOPMed 0.00001.
gnomAD v4.1: 46 of 1,613,828 alleles (0.0029%); highest among the groups gnomAD compares: South Asian, 0.049%; no homozygotes.

Submissions (3):

Ambry Genetics
Classification: Uncertain significance for Inborn genetic diseases. Last evaluated: 2024-10-01. Review status: criteria provided, single submitter. Criteria: Ambry Variant Classification Scheme 2023. Collection method: clinical testing. Allele origin: germline.

Labcorp Genetics (formerly Invitae), Labcorp
Classification: Uncertain significance for Ichthyosis linearis circumflexa. Last evaluated: 2022-08-08. Review status: criteria provided, single submitter. Criteria: Invitae Variant Classification Sherloc (09022015). Collection method: clinical testing. Allele origin: germline.
Comment: In summary, the available evidence is currently insufficient to determine the role of this variant in disease. Therefore, it has been classified as a Variant of Uncertain Significance. Algorithms developed to predict the effect of missense changes on protein structure and function are either unavailable or do not agree on the potential impact of this missense change (SIFT: "Deleterious"; PolyPhen-2: "Probably Damaging"; Align-GVGD: "Class C0"). ClinVar contains an entry for this variant (Variation ID: 452808). This variant has not been reported in the literature in individuals affected with SPINK5-related conditions. This variant is present in population databases (rs757370601, gnomAD 0.03%). This sequence change replaces aspartic acid, which is acidic and polar, with tyrosine, which is neutral and polar, at codon 456 of the SPINK5 protein (p.Asp456Tyr).

GeneDx
Classification: Uncertain significance. Last evaluated: 2017-10-12. Review status: criteria provided, single submitter. Criteria: GeneDx Variant Classification (06012015). Collection method: clinical testing. Allele origin: germline. Affected: yes.
Comment: The D456Y variant in the SPINK5 gene has not been reported previously as a pathogenic variant, nor as a benign variant, to our knowledge. This variant is observed in 9/30,780 alleles (0.029%) from individuals of South Asian background in the gnomAD dataset (Lek et al., 2016). The D456Y variant is a non-conservative amino acid substitution, which is likely to impact secondary protein structure as these residues differ in polarity, charge, size and/or other properties. In addition, this substitution occurs at a position that is conserved across mammalian species. However, in silico analysis is inconsistent in its predictions as to whether or not the variant is damaging to the protein structure/function. We interpret D456Y as a variant of uncertain significance.

NM_006846.4(SPINK5):c.1366G>T (p.Asp456Tyr)

Gene: SPINK5 (serine peptidase inhibitor Kazal type 5; plus strand). Cytogenetic location: 5q32.
Variant type: single nucleotide variant.
Coding change: c.1366G>T on transcript NM_006846.4 (MANE Select); coding-DNA position 1366, G replaced by T.
Protein change: p.Asp456Tyr; replaces aspartic acid 456 with tyrosine.
Molecular consequence: missense variant.
Genome position (GRCh38, 1-based): chr5:148,101,844, G>T. VCF-style: chr5-148101844-G-T. GRCh37 (hg19) VCF-style: chr5-147481407-G-T.
Other names: c.1366G>T, p.Asp456Tyr (NM_001127698.2, NM_001127699.2); short protein forms D456Y.
Identifiers: ClinVar variation 452808 (VCV000452808.8), dbSNP rs757370601, ClinGen allele CA3495576.
Genomic context (GRCh38, chr5:148,101,844, plus strand): 5'-TTGTGTAGTGAATACCGCAAATCCAGGAAAAACGGACGGCTTTTTTGCACCAGAGAGAAT[G>T]ACCCCATCCAGGGCCCAGATGGAAAAATGCATGGCAACACCTGCTCCATGTGTGAGGCCT-3'
Protein context (NP_006837.2, residues 446-466): NGRLFCTREN[Asp456Tyr]PIQGPDGKMH